The following is an entry in ClinVar:

NM_006019.4(TCIRG1):c.1720C>G (p.Leu574Val)

Gene: TCIRG1 (T cell immune regulator 1, ATPase H+ transporting V0 subunit a3; plus strand). Cytogenetic location: 11q13.2.
Variant type: single nucleotide variant.
Coding change: c.1720C>G on transcript NM_006019.4 (MANE Select); coding-DNA position 1720, C replaced by G.
Protein change: p.Leu574Val; replaces leucine 574 with valine.
Molecular consequence: missense variant.
Genome position (GRCh38, 1-based): chr11:68,049,127, C>G. VCF-style: chr11-68049127-C-G. GRCh37 (hg19) VCF-style: chr11-67816594-C-G.
Other names: c.826C>G, p.Leu276Val (NM_001351059.2); c.1072C>G, p.Leu358Val (NM_006053.4); short protein forms L574V, L276V, L358V.
Identifiers: ClinVar variation 1408927 (VCV001408927.7), dbSNP rs1205816098, ClinGen allele CA381586307.

ClinVar aggregate classification (germline): Uncertain significance (1 of 4 stars; one submission).

Allele frequency attached by ClinVar (database versions not stated): TOPMed below 0.00001; gnomAD exomes 0.00001.
gnomAD v4.1: 15 of 1,613,692 alleles (0.00093%); highest among the groups gnomAD compares: Non-Finnish European, 0.0012%; no homozygotes.

Submission:

Labcorp Genetics (formerly Invitae), Labcorp
Classification: Uncertain significance. Last evaluated: 2024-03-15. Review status: criteria provided, single submitter. Criteria: Invitae Variant Classification Sherloc (09022015). Collection method: clinical testing. Allele origin: germline.
Comment: This sequence change replaces leucine, which is neutral and non-polar, with valine, which is neutral and non-polar, at codon 574 of the TCIRG1 protein (p.Leu574Val). This variant is not present in population databases (gnomAD no frequency). This variant has not been reported in the literature in individuals affected with TCIRG1-related conditions. ClinVar contains an entry for this variant (Variation ID: 1408927). Advanced modeling of protein sequence and biophysical properties (such as structural, functional, and spatial information, amino acid conservation, physicochemical variation, residue mobility, and thermodynamic stability) performed at Invitae indicates that this missense variant is not expected to disrupt TCIRG1 protein function with a negative predictive value of 80%. In summary, the available evidence is currently insufficient to determine the role of this variant in disease. Therefore, it has been classified as a Variant of Uncertain Significance.